The following is an entry in ClinVar:

ClinVar aggregate classification (germline): Uncertain significance (1 of 4 stars; one submission).

Conditions:
Hereditary cancer-predisposing syndrome. Also called: Hereditary neoplastic syndrome; Neoplastic Syndromes, Hereditary; Tumor predisposition; Hereditary Cancer Syndrome. Identifiers: Orphanet 140162, MedGen C0027672, MeSH D009386, MONDO:0015356.

Submission:

Ambry Genetics
Classification: Uncertain significance for Hereditary cancer-predisposing syndrome. Last evaluated: 2025-08-27. Review status: criteria provided, single submitter. Criteria: Ambry Variant Classification Scheme 2023. Collection method: clinical testing. Allele origin: germline.
Comment: The p.G229A variant (also known as c.686G>C), located in coding exon 8 of the MUTYH gene, results from a G to C substitution at nucleotide position 686. The glycine at codon 229 is replaced by alanine, an amino acid with similar properties. This amino acid position is conserved. In addition, the in silico prediction for this alteration is inconclusive. Based on the available evidence, the clinical significance of this variant remains unclear.

NM_001048174.2(MUTYH):c.602G>C (p.Gly201Ala)

Gene: MUTYH (mutY DNA glycosylase; minus strand). Cytogenetic location: 1p34.1.
Variant type: single nucleotide variant.
Coding change: c.602G>C on transcript NM_001048174.2 (MANE Select); coding-DNA position 602, G replaced by C.
Protein change: p.Gly201Ala; replaces glycine 201 with alanine.
Molecular consequence: missense variant. On other transcripts: non-coding transcript variant (7).
Genome position (GRCh38, 1-based): chr1:45,332,578, C>G on the plus strand (G>C on the coding strand, the complement: MUTYH is on the minus strand). VCF-style: chr1-45332578-C-G. GRCh37 (hg19) VCF-style: chr1-45798250-C-G.
Other names: c.686G>C, p.Gly229Ala (NM_001128425.2); c.647G>C, p.Gly216Ala (NM_001293190.2); c.635G>C, p.Gly212Ala (NM_001293191.2, NM_001407069.1, NM_001407077.1); c.326G>C, p.Gly109Ala (NM_001293192.2, NM_001293196.2, NM_001407091.1); c.602G>C, p.Gly201Ala (NM_001293195.2, NM_001407088.1, NM_001407089.1 and 6 more transcripts); c.257G>C, p.Gly86Ala (NM_001350650.2, NM_001350651.2, NM_001407082.1); c.644G>C, p.Gly215Ala (NM_001407083.1, NM_001407085.1); c.605G>C, p.Gly202Ala (NM_001407086.1, NM_001048172.2, NM_001407071.1 and 1 more transcripts); and 5 more; short protein forms G109A, G188A, G201A, G212A, G215A, G226A, G86A, G173A.
Identifiers: ClinVar variation 4113793 (VCV004113793.1).